The following is an entry in ClinVar:

NM_012062.5(DNM1L):c.620-96G>A

Gene: DNM1L (dynamin 1 like; plus strand). Cytogenetic location: 12p11.21.
Variant type: single nucleotide variant.
Coding change: c.620-96G>A on transcript NM_012062.5 (MANE Select); 96 bases into the intron before coding-DNA position 620, G replaced by A.
Molecular consequence: intron variant.
Genome position (GRCh38, 1-based): chr12:32,718,547, G>A. VCF-style: chr12-32718547-G-A. GRCh37 (hg19) VCF-style: chr12-32871481-G-A.
Other names: c.659-96G>A (NM_001278464.2, NM_001278465.2, NM_001330380.2); c.132-2117G>A (NM_001278466.2); c.620-96G>A (NM_001278463.2, NM_012063.4, NM_005690.5).
Identifiers: ClinVar variation 673622 (VCV000673622.2), dbSNP rs10844314, ClinGen allele CA15724281.

ClinVar aggregate classification (germline): Benign. Review status: criteria provided, multiple submitters, no conflicts (2 of 4 stars). 2 submissions from 2 submitters: Benign (2). Last evaluated 2018-06-14.

Allele frequency attached by ClinVar (database versions not stated): 1000 Genomes Project 0.14437; 1000 Genomes Project 30x 0.14710; gnomAD 0.15518 and 0.15874; TOPMed 0.16211.
gnomAD v4.1: 209,900 of 1,496,124 alleles (14%); highest among the groups gnomAD compares: African/African-American, 22%; 15,339 homozygotes.

Submissions (2):

GeneDx
Classification: Benign. Last evaluated: 2018-06-14. Review status: criteria provided, single submitter. Criteria: GeneDx Variant Classification (06012015). Collection method: clinical testing. Allele origin: germline. Affected: yes.
Comment: This variant is considered likely benign or benign based on one or more of the following criteria: it is a conservative change, it occurs at a poorly conserved position in the protein, it is predicted to be benign by multiple in silico algorithms, and/or has population frequency not consistent with disease.

Breakthrough Genomics
Classification: Benign. Review status: criteria provided, single submitter. Criteria: ACMG Guidelines, 2015. Collection method: not provided. Allele origin: germline. Inheritance: Autosomal recessive inheritance. Affected: yes.